The following is an entry in ClinVar:

ClinVar aggregate classification (germline): Likely benign. Review status: criteria provided, multiple submitters, no conflicts (2 of 4 stars). 3 submissions from 3 submitters: Likely benign (2). 1 of the submissions does not count toward it. Last evaluated 2025-12-01.

Conditions:
ALG9-related disorder. Also called: ALG9-related condition.
ALG9 congenital disorder of glycosylation (CDG1L). Also called: CONGENITAL DISORDER OF GLYCOSYLATION, TYPE Il; CDG Il; ALG9-CDG. Identifiers: Orphanet 79328, MedGen C2931006, MONDO:0012117, OMIM 608776.
Gillessen-Kaesbach-Nishimura syndrome (GIKANIS). Identifiers: MedGen C1849762, MONDO:0009890, OMIM 263210.

Allele frequency attached by ClinVar (database versions not stated): ExAC 0.00003; gnomAD exomes 0.00006 and 0.00019; gnomAD 0.00012 and 0.00013; TOPMed 0.00019.
gnomAD v4.1: 298 of 1,614,052 alleles (0.018%); highest among the groups gnomAD compares: Non-Finnish European, 0.023%; no homozygotes.

Submissions (3):

Labcorp Genetics (formerly Invitae), Labcorp
Classification: Likely benign for ALG9 congenital disorder of glycosylation. Last evaluated: 2025-12-01. Review status: criteria provided, single submitter. Criteria: Invitae Variant Classification Sherloc (09022015). Collection method: clinical testing. Allele origin: germline.

Fulgent Genetics
Classification: Likely benign for Gillessen-Kaesbach-Nishimura syndrome; ALG9 congenital disorder of glycosylation. Last evaluated: 2021-10-18. Review status: criteria provided, single submitter. Criteria: ACMG Guidelines, 2015. Collection method: clinical testing. Allele origin: unknown.

PreventionGenetics, part of Exact Sciences
Classification: Likely benign for ALG9-related condition. Last evaluated: 2023-12-29. Review status: no assertion criteria provided. Collection method: clinical testing. Allele origin: germline. Not counted in ClinVar's aggregate classification.
Comment: This variant is classified as likely benign based on ACMG/AMP sequence variant interpretation guidelines (Richards et al. 2015 PMID: 25741868, with internal and published modifications).

NM_024740.2(ALG9):c.1314A>G (p.Ala438=)

Gene: ALG9 (ALG9 alpha-1,2-mannosyltransferase; minus strand). Cytogenetic location: 11q23.1.
Variant type: single nucleotide variant.
Coding change: c.1314A>G on transcript NM_024740.2 (MANE Select); coding-DNA position 1314, A replaced by G.
Protein change: p.Ala438=; no amino-acid change (alanine 438 retained).
Molecular consequence: synonymous variant. On other transcripts: non-coding transcript variant (1).
Genome position (GRCh38, 1-based): chr11:111,838,259, T>C on the plus strand (A>G on the coding strand, the complement: ALG9 is on the minus strand). VCF-style: chr11-111838259-T-C. GRCh37 (hg19) VCF-style: chr11-111708982-T-C.
Other names: c.1293A>G, p.Ala431= (NM_001077690.1, NM_001352417.1); c.801A>G, p.Ala267= (NM_001077691.2, NM_001352413.1, NM_001352414.2 and 1 more transcripts); c.780A>G, p.Ala260= (NM_001077692.2, NM_001352409.1, NM_001352410.1 and 6 more transcripts); c.1170A>G, p.Ala390= (NM_001352418.1); c.705A>G, p.Ala235= (NM_001352422.2); c.657A>G, p.Ala219= (NM_001352423.2).
Identifiers: ClinVar variation 1100636 (VCV001100636.14), dbSNP rs201611208, ClinGen allele CA6274464.